The following is an entry in ClinVar:

NM_001134407.3(GRIN2A):c.1457G>T (p.Gly486Val)

Gene: GRIN2A (glutamate ionotropic receptor NMDA type subunit 2A; minus strand). Cytogenetic location: 16p13.2.
Variant type: single nucleotide variant.
Coding change: c.1457G>T on transcript NM_001134407.3 (MANE Select); coding-DNA position 1457, G replaced by T.
Protein change: p.Gly486Val; replaces glycine 486 with valine.
Molecular consequence: missense variant.
Genome position (GRCh38, 1-based): chr16:9,840,976, C>A on the plus strand (G>T on the coding strand, the complement: GRIN2A is on the minus strand). VCF-style: chr16-9840976-C-A. GRCh37 (hg19) VCF-style: chr16-9934833-C-A.
Other names: c.1457G>T, p.Gly486Val (NM_000833.5, NM_001134408.2); c.1457G>T (NM_000833.4); short protein forms G486V.
Identifiers: ClinVar variation 1359611 (VCV001359611.9), dbSNP rs2141344962, ClinGen allele CA394800607.

ClinVar aggregate classification (germline): Uncertain significance. Review status: criteria provided, multiple submitters, no conflicts (2 of 4 stars). 2 submissions from 2 submitters: Uncertain significance (2). Last evaluated 2025-01-17.

Conditions:
GRIN2A-related complex neurodevelopmental disorder. Also called: GRIN2A-related disorder; GRIN2A-related condition. Identifiers: MedGen CN379781, MONDO:1060139.
Landau-Kleffner syndrome (FESD). Also called: APHASIA, ACQUIRED, WITH EPILEPSY; EPILEPSY, FOCAL, WITH SPEECH DISORDER AND WITH OR WITHOUT MENTAL RETARDATION. Identifiers: Orphanet 1945, Orphanet 725, Orphanet 98818, MedGen C0282512, MONDO:0009509, OMIM 245570.

Submissions (2):

Labcorp Genetics (formerly Invitae), Labcorp
Classification: Uncertain significance for Landau-Kleffner syndrome. Last evaluated: 2025-01-17. Review status: criteria provided, single submitter. Criteria: Invitae Variant Classification Sherloc (09022015). Collection method: clinical testing. Allele origin: germline.
Comment: This sequence change replaces glycine, which is neutral and non-polar, with valine, which is neutral and non-polar, at codon 486 of the GRIN2A protein (p.Gly486Val). This variant is not present in population databases (gnomAD no frequency). This variant has not been reported in the literature in individuals affected with GRIN2A-related conditions. ClinVar contains an entry for this variant (Variation ID: 1359611). Invitae Evidence Modeling of protein sequence and biophysical properties (such as structural, functional, and spatial information, amino acid conservation, physicochemical variation, residue mobility, and thermodynamic stability) indicates that this missense variant is expected to disrupt GRIN2A protein function with a positive predictive value of 95%. In summary, the available evidence is currently insufficient to determine the role of this variant in disease. Therefore, it has been classified as a Variant of Uncertain Significance.

PreventionGenetics, part of Exact Sciences
Classification: Uncertain significance for GRIN2A-related condition. Last evaluated: 2023-08-31. Review status: criteria provided, single submitter. Criteria: ACMG Guidelines, 2015. Collection method: clinical testing. Allele origin: germline.
Comment: The GRIN2A c.1457G>T variant is predicted to result in the amino acid substitution p.Gly486Val. To our knowledge, this variant has not been reported in the literature or in a large population database, indicating this variant is rare. At this time, the clinical significance of this variant is uncertain due to the absence of conclusive functional and genetic evidence.